The following is an entry in ClinVar:

NM_000478.6(ALPL):c.1319A>T (p.Asn440Ile)

Gene: ALPL (alkaline phosphatase, biomineralization associated; plus strand). Cytogenetic location: 1p36.12.
Variant type: single nucleotide variant.
Coding change: c.1319A>T on transcript NM_000478.6 (MANE Select); coding-DNA position 1319, A replaced by T.
Protein change: p.Asn440Ile; replaces asparagine 440 with isoleucine.
Molecular consequence: missense variant.
Genome position (GRCh38, 1-based): chr1:21,577,392, A>T. VCF-style: chr1-21577392-A-T. GRCh37 (hg19) VCF-style: chr1-21903885-A-T.
Other names: c.1154A>T, p.Asn385Ile (NM_001127501.4); c.1088A>T, p.Asn363Ile (NM_001177520.3); c.1319A>T, p.Asn440Ile (NM_001369803.2, NM_001369804.2, NM_001369805.2); short protein forms N363I, N385I, N440I.
Identifiers: ClinVar variation 4799876 (VCV004799876.1).

ClinVar aggregate classification (germline): Uncertain significance (1 of 4 stars; one submission).

Submission:

Labcorp Genetics (formerly Invitae), Labcorp
Classification: Uncertain significance. Last evaluated: 2025-12-10. Review status: criteria provided, single submitter. Criteria: Invitae Variant Classification Sherloc (09022015). Collection method: clinical testing. Allele origin: germline.
Comment: This sequence change replaces asparagine, which is neutral and polar, with isoleucine, which is neutral and non-polar, at codon 440 of the ALPL protein (p.Asn440Ile). This variant is not present in population databases (gnomAD no frequency). This variant has not been reported in the literature in individuals affected with ALPL-related conditions. Invitae Evidence Modeling of protein sequence and biophysical properties (such as structural, functional, and spatial information, amino acid conservation, physicochemical variation, residue mobility, and thermodynamic stability) indicates that this missense variant is expected to disrupt ALPL protein function with a positive predictive value of 95%. In summary, the available evidence is currently insufficient to determine the role of this variant in disease. Therefore, it has been classified as a Variant of Uncertain Significance.